The following is an entry in ClinVar:

NM_000465.4(BARD1):c.216-15_216-14delinsC

Gene: BARD1 (BRCA1 associated RING domain 1; minus strand). Cytogenetic location: 2q35.
Variant type: Indel.
Coding change: c.216-15_216-14delinsC on transcript NM_000465.4 (MANE Select); 15 bases into the intron before coding-DNA position 216 through 14 bases into the intron before coding-DNA position 216, TT replaced by C.
Molecular consequence: intron variant.
Genome position (GRCh38, 1-based): chr2:214,792,459-214,792,460, AA replaced by G on the plus strand (TT replaced by C on the coding strand, the reverse complement: BARD1 is on the minus strand). VCF-style: chr2-214792459-AA-G. GRCh37 (hg19) VCF-style: chr2-215657183-AA-G.
Other names: c.158+16952_158+16953delinsC (NM_001282548.2); c.159-15_159-14delinsC (NM_001282543.2); c.215+4601_215+4602delinsC (NM_001282545.2); c.216-15_216-14delinsC (NM_001282549.2).
Identifiers: ClinVar variation 3379011 (VCV003379011.1).
Genomic context (GRCh38, chr2:214,792,459, plus strand): 5'-TGTAACACACTGGACATCCAGTTCCAATGCAGTCACTTACACAATTACTTTAAAATAATT[AA>G]AAAAAAAAAAAAAAGCAACCCATTCAGCAGAATTTAATTCCAAAAACTAAACAGTTTGAA-3'

ClinVar aggregate classification (germline): Likely benign (1 of 4 stars; one submission).

Conditions:
Familial cancer of breast. Also called: hereditary breast carcinoma; Hereditary breast cancer; BREAST CANCER, FAMILIAL. Identifiers: Orphanet 227535, MedGen C0346153, MONDO:0016419, OMIM 114480. Disease mechanism: loss of function.

Submission:

Myriad Genetics, Inc.
Classification: Likely benign for Familial cancer of breast. Last evaluated: 2024-07-19. Review status: criteria provided, single submitter. Criteria: Myriad Autosomal Dominant, Autosomal Recessive and X-Linked Classification Criteria (2023). Collection method: clinical testing. Allele origin: unknown.
Comment: This variant is considered likely benign. This variant is intronic and is not expected to impact mRNA splicing.